The following is an entry in ClinVar:

ClinVar aggregate classification (germline): Likely benign (1 of 4 stars; one submission).

Submission:

CeGaT Center for Human Genetics Tuebingen
Classification: Likely benign. Last evaluated: 2023-11-01. Review status: criteria provided, single submitter. Criteria: CeGaT Center For Human Genetics Tuebingen Variant Classification Criteria Version 2. Collection method: clinical testing. Allele origin: germline. Affected: yes. Observed: 1 variant allele.
Comment: SON: PM2:Supporting, BP4, BP7

NM_138927.4(SON):c.2913G>A (p.Arg971=)

Gene: SON (SON DNA and RNA binding protein; plus strand). Cytogenetic location: 21q22.11.
Variant type: single nucleotide variant.
Coding change: c.2913G>A on transcript NM_138927.4 (MANE Select); coding-DNA position 2913, G replaced by A.
Protein change: p.Arg971=; no amino-acid change (arginine 971 retained).
Molecular consequence: synonymous variant. On other transcripts: non-coding transcript variant (1), intron variant (1).
Genome position (GRCh38, 1-based): chr21:33,552,144, G>A. VCF-style: chr21-33552144-G-A. GRCh37 (hg19) VCF-style: chr21-34924450-G-A.
Other names: c.2913G>A, p.Arg971= (NM_001291411.2, NM_001412133.1, NM_032195.3 and 2 more transcripts); c.245-5012G>A (NM_001291412.3).
Identifiers: ClinVar variation 2672889 (VCV002672889.23), dbSNP rs2517366677, ClinGen allele CA512337426.
Genomic context (GRCh38, chr21:33,552,144, plus strand): 5'-AGGCCATGATCCCTACAGACTAACTCCTGATCCCTATAGGATGTCACCTAGACCCTACAG[G>A]ATAGCACCCAGGTCCTATAGAATAGCACCCAGGCCATATAGGTTAGCACCTAGACCCCTG-3'
Protein context (NP_620305.3, residues 961-981): DPYRMSPRPY[Arg971=]IAPRSYRIAP